The following is an entry in ClinVar:

ClinVar aggregate classification (germline): Pathogenic (1 of 4 stars; one submission).

Allele frequency attached by ClinVar (database versions not stated): gnomAD exomes below 0.00001; ExAC 0.00001.
gnomAD v4.1: 5 of 1,614,154 alleles (0.00031%); highest among the groups gnomAD compares: Admixed American, 0.0033%; no homozygotes.

Submission:

Labcorp Genetics (formerly Invitae), Labcorp
Classification: Pathogenic. Last evaluated: 2022-07-04. Review status: criteria provided, single submitter. Criteria: Invitae Variant Classification Sherloc (09022015). Collection method: clinical testing. Allele origin: germline.
Comment: For these reasons, this variant has been classified as Pathogenic. This variant has not been reported in the literature in individuals affected with MRPS22-related conditions. This variant is present in population databases (rs754764412, gnomAD 0.003%). This sequence change creates a premature translational stop signal (p.Trp11*) in the MRPS22 gene. It is expected to result in an absent or disrupted protein product. Loss-of-function variants in MRPS22 are known to be pathogenic (PMID: 28425981, 29096039).

Literature cited by the submitters: PubMed 28425981; PubMed 29096039.

NM_020191.4(MRPS22):c.33G>A (p.Trp11Ter)

Gene: MRPS22 (mitochondrial ribosomal protein S22; plus strand). Cytogenetic location: 3q23.
Variant type: single nucleotide variant.
Coding change: c.33G>A on transcript NM_020191.4 (MANE Select); coding-DNA position 33, G replaced by A.
Protein change: p.Trp11Ter; replaces tryptophan 11 with a stop codon.
Molecular consequence: nonsense.
Genome position (GRCh38, 1-based): chr3:139,344,059, G>A. VCF-style: chr3-139344059-G-A. GRCh37 (hg19) VCF-style: chr3-139062901-G-A.
Other names: c.33G>A, p.Trp11Ter (NM_001363893.1); short protein forms W11*.
Identifiers: ClinVar variation 2177068 (VCV002177068.4), dbSNP rs754764412, ClinGen allele CA2640595.
Genomic context (GRCh38, chr3:139,344,059, plus strand): 5'-CTTCCGGCGCAAGTGGCTTCTGATAATCATGGCGCCCCTCGGAACAACTGTATTGCTGTG[G>A]AGCCTCTTGAGGAGTTCTCCGGGCGTGGAACGGGTCTGTTTCCGGGCTCGAATCCAGCCC-3'